The following is an entry in ClinVar:

NM_004463.3(FGD1):c.413G>C (p.Gly138Ala)

Gene: FGD1 (FYVE, RhoGEF and PH domain containing 1; minus strand). Cytogenetic location: Xp11.22.
Variant type: single nucleotide variant.
Coding change: c.413G>C on transcript NM_004463.3 (MANE Select); coding-DNA position 413, G replaced by C.
Protein change: p.Gly138Ala; replaces glycine 138 with alanine.
Molecular consequence: missense variant.
Genome position (GRCh38, 1-based): chrX:54,471,382, C>G on the plus strand (G>C on the coding strand, the complement: FGD1 is on the minus strand). VCF-style: chrX-54471382-C-G. GRCh37 (hg19) VCF-style: chrX-54497815-C-G.
Other names: short protein forms G138A.
Identifiers: ClinVar variation 4024590 (VCV004024590.2).

ClinVar aggregate classification (germline): Uncertain significance. Review status: criteria provided, multiple submitters, no conflicts (2 of 4 stars). 2 submissions from 2 submitters: Uncertain significance (2). Last evaluated 2025-03-22.

Conditions:
Inborn genetic diseases. Identifiers: MedGen C0950123, MeSH D030342.

gnomAD v4.1: 6 of 1,209,938 alleles (0.0005%); highest among the groups gnomAD compares: Non-Finnish European, 0.00067%; no homozygotes.

Submissions (2):

Ambry Genetics
Classification: Uncertain significance for Inborn genetic diseases. Last evaluated: 2025-03-22. Review status: criteria provided, single submitter. Criteria: Ambry Variant Classification Scheme 2023. Collection method: clinical testing. Allele origin: germline.

GeneDx
Classification: Uncertain significance. Last evaluated: 2025-02-03. Review status: criteria provided, single submitter. Criteria: GeneDx Variant Classification Process June 2021. Collection method: clinical testing. Allele origin: germline. Affected: yes.
Comment: In silico analysis indicates that this missense variant does not alter protein structure/function; Has not been previously published as pathogenic or benign to our knowledge; This variant is associated with the following publications: (PMID: 27535533)